The following is an entry in ClinVar:

NM_014921.5(ADGRL1):c.3650-7C>A

Genes: ADGRL1 (adhesion G protein-coupled receptor L1; minus strand), ADGRL1-AS1 (ADGRL1 antisense RNA 1; plus strand). Cytogenetic location: 19p13.12.
Variant type: single nucleotide variant.
Coding change: c.3650-7C>A on transcript NM_014921.5 (MANE Select); 7 bases into the intron before coding-DNA position 3650, C replaced by A.
Molecular consequence: intron variant.
Genome position (GRCh38, 1-based): chr19:14,152,157, G>T on the plus strand (C>A on the coding strand, the complement: ADGRL1 is on the minus strand). VCF-style: chr19-14152157-G-T. GRCh37 (hg19) VCF-style: chr19-14262969-G-T.
Other names: c.3665-7C>A (NM_001008701.3).
Identifiers: ClinVar variation 4883658 (VCV004883658.2).

ClinVar aggregate classification (germline): Uncertain significance (1 of 4 stars; one submission).

Conditions:
Developmental delay, behavioral abnormalities, and neuropsychiatric disorders (DEDBANP). Identifiers: MedGen C5774224, MONDO:0859292, OMIM 620065.

Submission:

Dasa
Classification: Uncertain significance for Developmental delay, behavioral abnormalities, and neuropsychiatric disorders. Last evaluated: 2025-10-17. Review status: criteria provided, single submitter. Criteria: DASA Assertion Criteria. Collection method: clinical testing. Allele origin: germline.
Comment: NM_014921.5(ADGRL1):c.3650-7C>A is a splice-region variant. This variant is absent from population databases. Computational prediction algorithms are consistent with a benign effect. The currently available literature and clinical evidence are not sufficient to establish a definitive association between this variant and the reported condition. Therefore, this variant is classified as a variant of uncertain significance.